The following is an entry in ClinVar:

NM_172107.4(KCNQ2):c.619C>T (p.Arg207Trp)

Gene: KCNQ2 (potassium voltage-gated channel subfamily Q member 2; minus strand). Cytogenetic location: 20q13.33.
Variant type: single nucleotide variant.
Coding change: c.619C>T on transcript NM_172107.4 (MANE Select); coding-DNA position 619, C replaced by T.
Protein change: p.Arg207Trp; replaces arginine 207 with tryptophan.
Molecular consequence: missense variant.
Genome position (GRCh38, 1-based): chr20:63,444,730, G>A on the plus strand (C>T on the coding strand, the complement: KCNQ2 is on the minus strand). VCF-style: chr20-63444730-G-A. GRCh37 (hg19) VCF-style: chr20-62076083-G-A.
Other names: p.R207W:CGG>TGG; c.619C>T, p.Arg207Trp (NM_004518.6, NM_172106.3, NM_172108.5 and 1 more transcripts); short protein forms R207W.
Identifiers: ClinVar variation 7386 (VCV000007386.67), dbSNP rs74315391, ClinGen allele CA118744.

ClinVar aggregate classification (germline): Pathogenic. Review status: criteria provided, multiple submitters, no conflicts (2 of 4 stars). 12 submissions from 12 submitters: Pathogenic (10). 2 of the submissions do not count toward it. Last evaluated 2024-11-20.

Conditions:
Early-infantile DEE. Also called: Ohtahara syndrome; Early infantile epileptic encephalopathy with suppression bursts; Early infantile epileptic encephalopathy. Identifiers: Orphanet 1934, MedGen C0393706, MONDO:0800491.
Inborn genetic diseases. Identifiers: MedGen C0950123, MeSH D030342.
Developmental and epileptic encephalopathy, 7 (DEE7). Also called: KCNQ2-Related Neonatal-Onset Developmental and Epileptic Encephalopathy (NEO-DEE); Early infantile epileptic encephalopathy 7; KCNQ2-Related Neonatal Epileptic Encephalopathy. Identifiers: Orphanet 439218, MedGen C3150986, MONDO:0013387, OMIM 613720.
Seizures, benign familial neonatal, 1. Also called: Seizures, benign neonatal, 1; Benign Neonatal Epilepsy 1; KCNQ2-Related Self-Limited Familial Neonatal Epilepsy (SLFNE); KCNQ2-Related Benign Familial Neonatal Epilepsy. Identifiers: Orphanet 1949, MedGen C3149074, MONDO:0007365, OMIM 121200.
KCNQ2-Related Disorders. Also called: KCNQ2-related disorder; KCNQ2-related condition. Identifiers: MedGen CN169299.
Seizures, benign familial neonatal, 1, and/or myokymia. Identifiers: MedGen C3149075.
Seizure. Also called: Seizures. Identifiers: MedGen C0036572, HP:0001250.

Allele frequency attached by ClinVar (database versions not stated): gnomAD exomes below 0.00001.
gnomAD v4.1: 1 of 1,603,394 alleles (0.000062%); highest among the groups gnomAD compares: Non-Finnish European, 0.000085%; no homozygotes.

Submissions (18):

Cytogénomique, Hospices Civils de Lyon
Classification: Pathogenic for Seizure. Last evaluated: 2024-11-20. Review status: criteria provided, single submitter. Criteria: ACMG Guidelines, 2015. Collection method: clinical testing. Allele origin: unknown. Affected: yes.

GeneDx
Classification: Pathogenic. Last evaluated: 2024-09-11. Review status: criteria provided, single submitter. Criteria: GeneDx Variant Classification Process June 2021. Collection method: clinical testing. Allele origin: germline. Affected: yes.
Comment: Published functional studies demonstrate a damaging effect: dramatically decreased ionic current activation and deactivation rates, shifted voltage-dependent activation (PMID: 11572947, 22455920); In silico analysis supports that this missense variant has a deleterious effect on protein structure/function; Not observed at significant frequency in large population cohorts (gnomAD); This variant is associated with the following publications: (PMID: 22455920, 17872363, 28717674, 29129156, 27888506, 11572947, 22169383, 37096745, 33811133, 35388452, 31440721)

Labcorp Genetics (formerly Invitae), Labcorp
Classification: Pathogenic for Early-infantile DEE. Last evaluated: 2023-12-15. Review status: criteria provided, single submitter. Criteria: Invitae Variant Classification Sherloc (09022015). Collection method: clinical testing. Allele origin: germline.
Comment: This sequence change replaces arginine, which is basic and polar, with tryptophan, which is neutral and slightly polar, at codon 207 of the KCNQ2 protein (p.Arg207Trp). This variant is not present in population databases (gnomAD no frequency). This missense change has been observed in individual(s) with Myokymia (PMID: 11572947, 22169383, 24375629). In at least one individual the variant was observed to be de novo. It has also been observed to segregate with disease in related individuals. ClinVar contains an entry for this variant (Variation ID: 7386). Advanced modeling of protein sequence and biophysical properties (such as structural, functional, and spatial information, amino acid conservation, physicochemical variation, residue mobility, and thermodynamic stability) performed at Invitae indicates that this missense variant is expected to disrupt KCNQ2 protein function with a positive predictive value of 95%. Experimental studies have shown that this missense change affects KCNQ2 function (PMID: 11572947, 22455920). For these reasons, this variant has been classified as Pathogenic.

Institute of Human Genetics, University of Leipzig Medical Center
Classification: Pathogenic for Developmental and epileptic encephalopathy, 7. Last evaluated: 2022-05-25. Review status: criteria provided, single submitter. Criteria: ACMG Guidelines, 2015. Collection method: clinical testing. Allele origin: unknown. Affected: yes.
Comment: _x000D_ Criteria applied: PS3, PS4_MOD, PM1, PM5, PM2_SUP, PP2, PP3

Institute of Medical Genetics and Applied Genomics, University Hospital Tübingen
Classification: Pathogenic. Last evaluated: 2021-09-15. Review status: criteria provided, single submitter. Criteria: ACMG Guidelines, 2015. Collection method: clinical testing. Allele origin: germline. Inheritance: Autosomal dominant inheritance. Affected: yes.

Blueprint Genetics
Classification: Pathogenic for KCNQ2-related disorders. Last evaluated: 2020-03-02. Review status: criteria provided, single submitter. Criteria: ACMG Guidelines, 2015. Collection method: clinical testing. Allele origin: germline. Affected: yes. Observed: 1 variant allele.

CeGaT Center for Human Genetics Tuebingen
Classification: Pathogenic. Last evaluated: 2019-03-01. Review status: criteria provided, single submitter. Criteria: CeGaT Center For Human Genetics Tuebingen Variant Classification Criteria Version 2. Collection method: clinical testing. Allele origin: germline. Affected: yes. Observed: 1 variant allele.

Ambry Genetics
Classification: Pathogenic for Inborn genetic diseases. Last evaluated: 2016-07-22. Review status: criteria provided, single submitter. Criteria: Ambry exome assertion method (8-5-2015). Collection method: clinical testing. Allele origin: germline. Affected: yes. Observed: 1 variant allele.

Juno Genomics, Hangzhou Juno Genomics, Inc
Classification: Pathogenic for Developmental and epileptic encephalopathy, 7; Seizures, benign familial neonatal, 1. Review status: criteria provided, single submitter. Criteria: ACMG Guidelines, 2015. Collection method: clinical testing. Allele origin: germline. Affected: yes.
Comment: Absent from controls (or at extremely low frequency if recessive) in Genome Aggregation Database, Exome Sequencing Project, 1000 Genomes Project, or Exome Aggregation Consortium.;The prevalence of the variant in affected individuals is significantly increased compared to the prevalence in controls.;Co-segregation with disease in multiple affected family members in a gene definitively known to cause the disease.;Assumed de novo, but without confirmation of paternity and maternity.;Novel missense change at an amino acid residue where a different missense change determined to be pathogenic has been seen before.;Well-established in vitro or in vivo functional studies supportive of a damaging effect on the gene or gene product.

Kasturba Medical College, Manipal, Kasturba Medical College, Manipal, Manipal Academy of Higher Education, Manipal, India
Classification: Pathogenic for Seizures, benign familial neonatal, 1. Review status: criteria provided, single submitter. Criteria: ACMG Guidelines, 2015. Collection method: clinical testing. Allele origin: de novo. Inheritance: Autosomal dominant inheritance. Affected: yes.

OMIM
Classification: Pathogenic for SEIZURES, BENIGN FAMILIAL NEONATAL, 1, AND/OR MYOKYMIA. Last evaluated: 2007-11-27. Review status: no assertion criteria provided. Collection method: literature only. Allele origin: germline. Not counted in ClinVar's aggregate classification.

Channelopathy-Associated Epilepsy Research Center
No classification provided (evidence only). Condition: Complex neurodevelopmental disorder. Review status: no classification provided. Collection method: literature only. Allele origin: not applicable. Functional consequence: Moderate decrease in peak current, Severe slowing of activation, Severe depolarizing shift of voltage dependence of activation. Not counted in ClinVar's aggregate classification.
ClinVar note: "not provided" was previously submitted as the classification for the variant. However, the classification appeared to be based only on an observation of functional data so it was converted to no classification on 2025-07-30.

Channelopathy-Associated Epilepsy Research Center
No classification provided (evidence only). Review status: no classification provided. Collection method: in vitro. Allele origin: not applicable. Functional consequence: Normal peak current. Not counted in ClinVar's aggregate classification.

Channelopathy-Associated Epilepsy Research Center
No classification provided (evidence only). Review status: no classification provided. Collection method: in vitro. Allele origin: not applicable. Functional consequence: Normal peak current. Not counted in ClinVar's aggregate classification.

Channelopathy-Associated Epilepsy Research Center
No classification provided (evidence only). Review status: no classification provided. Collection method: in vitro. Allele origin: not applicable. Functional consequence: Depolarizing shift of voltage dependence of activation. Not counted in ClinVar's aggregate classification.

Channelopathy-Associated Epilepsy Research Center
No classification provided (evidence only). Review status: no classification provided. Collection method: in vitro. Allele origin: not applicable. Functional consequence: Increase in slope of activation. Not counted in ClinVar's aggregate classification.

Channelopathy-Associated Epilepsy Research Center
No classification provided (evidence only). Review status: no classification provided. Collection method: in vitro. Allele origin: not applicable. Functional consequence: Slowing of activation. Not counted in ClinVar's aggregate classification.

GeneReviews
No classification provided. Condition: Seizures, benign familial neonatal, 1. Review status: no classification provided. Collection method: literature only. Allele origin: germline. Affected: yes. Not counted in ClinVar's aggregate classification.
Comment: BFNE (benign familial neonatal epilepsy), Myokymia, EE (epileptic encephalopathy)

Functional effect: Marked rightward shift in current voltage-dependence; dramatic decrease in current activation kinetics

Literature cited by the submitters: PubMed 11572947 (cited by 3 submitters); PubMed 22169383 (cited by Labcorp Genetics (formerly Invitae), Labcorp and GeneReviews); PubMed 24375629 (cited by Labcorp Genetics (formerly Invitae), Labcorp and GeneReviews); PubMed 22455920 (cited by Labcorp Genetics (formerly Invitae), Labcorp); PubMed 17872363 (cited by OMIM); PubMed 35104249 (cited by Channelopathy-Associated Epilepsy Research Center); PubMed 25959266 (cited by GeneReviews); NCBI Bookshelf NBK32534 (cited by GeneReviews).